The following is an entry in ClinVar:

NM_000372.5(TYR):c.334del (p.Cys112fs)

Gene: TYR (tyrosinase; plus strand). Cytogenetic location: 11q14.3.
Variant type: Deletion.
Coding change: c.334del on transcript NM_000372.5 (MANE Select); coding-DNA position 334, one base deleted (T; older notation c.334delT).
Protein change: p.Cys112fs; shifts the reading frame from cysteine 112.
Molecular consequence: frameshift variant.
Genome position (GRCh38, 1-based): chr11:89,178,287, T deleted. VCF-style (leftmost placement, unchanged base first): chr11-89178286-CT-C. GRCh37 (hg19) VCF-style: chr11-88911454-CT-C.
Other names: short protein forms C112fs.
Identifiers: ClinVar variation 4819296 (VCV004819296.1).

ClinVar aggregate classification (germline): Likely pathogenic (1 of 4 stars; one submission).

Conditions:
Oculocutaneous albinism type 1B (OCA1B). Also called: YELLOW ALBINISM; ALBINISM, OCULOCUTANEOUS, TYPE IB; ALBINISM, YELLOW MUTANT TYPE. Identifiers: Orphanet 352731, Orphanet 352737, Orphanet 79434, MedGen C1847024, MONDO:0011749, OMIM 606952.

Submission:

Institute of Human Genetics, Heidelberg University
Classification: Likely pathogenic for Oculocutaneous albinism type 1B. Last evaluated: 2026-03-11. Review status: criteria provided, single submitter. Criteria: ACMG Guidelines, 2015. Collection method: clinical testing. Allele origin: paternal. Affected: yes. Observed: 2 variant alleles.
Comment: PVS1_str, PM2_supp, PM3_supp